The following is an entry in ClinVar:

ClinVar aggregate classification (germline): Uncertain significance (1 of 4 stars; one submission).

Submission:

Labcorp Genetics (formerly Invitae), Labcorp
Classification: Uncertain significance. Last evaluated: 2024-04-29. Review status: criteria provided, single submitter. Criteria: Invitae Variant Classification Sherloc (09022015). Collection method: clinical testing. Allele origin: germline.
Comment: This sequence change replaces leucine, which is neutral and non-polar, with arginine, which is basic and polar, at codon 158 of the NEFH protein (p.Leu158Arg). This variant is present in population databases (no rsID available, gnomAD 0.01%). This variant has not been reported in the literature in individuals affected with NEFH-related conditions. Advanced modeling of protein sequence and biophysical properties (such as structural, functional, and spatial information, amino acid conservation, physicochemical variation, residue mobility, and thermodynamic stability) performed at Invitae indicates that this missense variant is not expected to disrupt NEFH protein function with a negative predictive value of 95%. In summary, the available evidence is currently insufficient to determine the role of this variant in disease. Therefore, it has been classified as a Variant of Uncertain Significance.

NM_021076.4(NEFH):c.473T>G (p.Leu158Arg)

Gene: NEFH (neurofilament heavy chain; plus strand). Cytogenetic location: 22q12.2.
Variant type: single nucleotide variant.
Coding change: c.473T>G on transcript NM_021076.4 (MANE Select); coding-DNA position 473, T replaced by G.
Protein change: p.Leu158Arg; replaces leucine 158 with arginine.
Molecular consequence: missense variant.
Genome position (GRCh38, 1-based): chr22:29,480,735, T>G. VCF-style: chr22-29480735-T-G. GRCh37 (hg19) VCF-style: chr22-29876724-T-G.
Other names: short protein forms L158R.
Identifiers: ClinVar variation 3610630 (VCV003610630.2).
Genomic context (GRCh38, chr22:29,480,735, plus strand): 5'-GCCGCTCCGCTATGGGCGAGCTGTACGAGCGCGAGGTCCGCGAGATGCGCGGCGCGGTGC[T>G]GCGCCTGGGCGCGGCGCGCGGTCAGCTACGCCTGGAGCAGGAGCACCTGCTCGAGGACAT-3'
Protein context (NP_066554.2, residues 148-168): REVREMRGAV[Leu158Arg]RLGAARGQLR